The following is an entry in ClinVar:

NM_015192.4(PLCB1):c.3039G>A (p.Gln1013=)

Gene: PLCB1 (phospholipase C beta 1; plus strand). Cytogenetic location: 20p12.3.
Variant type: single nucleotide variant.
Coding change: c.3039G>A on transcript NM_015192.4 (MANE Select); coding-DNA position 3039, G replaced by A.
Protein change: p.Gln1013=; no amino-acid change (glutamine 1013 retained).
Molecular consequence: synonymous variant.
Genome position (GRCh38, 1-based): chr20:8,774,647, G>A. VCF-style: chr20-8774647-G-A. GRCh37 (hg19) VCF-style: chr20-8755294-G-A.
Other names: c.3039G>A, p.Gln1013= (NM_182734.3).
Identifiers: ClinVar variation 287062 (VCV000287062.21), dbSNP rs139859188, ClinGen allele CA9760444.

ClinVar aggregate classification (germline): Likely benign. Review status: criteria provided, multiple submitters, no conflicts (2 of 4 stars). 6 submissions from 6 submitters: Likely benign (5). 1 of the submissions does not count toward it. Last evaluated 2025-10-15.

Conditions:
PLCB1-related disorder. Also called: PLCB1-related condition.
Developmental and epileptic encephalopathy, 12 (DEE12). Identifiers: MedGen C3150988, MONDO:0013389, OMIM 613722.
Inborn genetic diseases. Identifiers: MedGen C0950123, MeSH D030342.

Allele frequency attached by ClinVar (database versions not stated): gnomAD exomes 0.00002 and 0.00010; ExAC 0.00015; ESP Exome Variant Server 0.00046; gnomAD 0.00049 and 0.00052; TOPMed 0.00055; 1000 Genomes Project 0.00200; 1000 Genomes Project 30x 0.00203.
gnomAD v4.1: 125 of 1,613,834 alleles (0.0077%); highest among the groups gnomAD compares: African/African-American, 0.14%; no homozygotes.

Submissions (6):

Labcorp Genetics (formerly Invitae), Labcorp
Classification: Likely benign for Developmental and epileptic encephalopathy, 12. Last evaluated: 2025-10-15. Review status: criteria provided, single submitter. Criteria: Invitae Variant Classification Sherloc (09022015). Collection method: clinical testing. Allele origin: germline.

Blueprint Genetics
Classification: Likely benign. Last evaluated: 2024-03-14. Review status: criteria provided, single submitter. Criteria: ACMG Guidelines, 2015. Collection method: clinical testing. Allele origin: germline.

Ambry Genetics
Classification: Likely benign for Inborn genetic diseases. Last evaluated: 2018-11-14. Review status: criteria provided, single submitter. Criteria: Ambry Variant Classification Scheme 2023. Collection method: clinical testing. Allele origin: germline.

Eurofins Ntd Llc (ga)
Classification: Likely benign. Last evaluated: 2016-04-19. Review status: criteria provided, single submitter. Criteria: EGL Classification Definitions 2015. Collection method: clinical testing. Allele origin: germline. Observed: 1 variant allele, 1 heterozygote.

Breakthrough Genomics
Classification: Likely benign. Review status: criteria provided, single submitter. Criteria: ACMG Guidelines, 2015. Collection method: not provided. Allele origin: germline. Inheritance: Autosomal recessive inheritance. Affected: yes.

PreventionGenetics, part of Exact Sciences
Classification: Likely benign for PLCB1-related condition. Last evaluated: 2019-10-24. Review status: no assertion criteria provided. Collection method: clinical testing. Allele origin: germline. Not counted in ClinVar's aggregate classification.
Comment: This variant is classified as likely benign based on ACMG/AMP sequence variant interpretation guidelines (Richards et al. 2015 PMID: 25741868, with internal and published modifications).